The following is an entry in ClinVar:

NM_001876.4(CPT1A):c.1539_1541dup (p.Tyr514Ter)

Gene: CPT1A (carnitine palmitoyltransferase 1A; minus strand). Cytogenetic location: 11q13.3.
Variant type: Duplication.
Coding change: c.1539_1541dup on transcript NM_001876.4 (MANE Select); coding-DNA positions 1539 to 1541, 3 bases duplicated (GTA; older notation c.1539_1541dupGTA).
Protein change: p.Tyr514Ter; replaces tyrosine 514 with a stop codon.
Molecular consequence: nonsense.
Genome position (GRCh38, 1-based): chr11:68,775,350-68,775,352, TAC duplicated on the plus strand (GTA on the coding strand, the reverse complement: CPT1A is on the minus strand). VCF-style (leftmost placement, unchanged base first): chr11-68775349-G-GTAC. GRCh37 (hg19) VCF-style: chr11-68542817-G-GTAC.
Other names: c.1539_1541dup, p.Tyr514Ter (NM_001031847.3, NM_001440358.1, NM_001440359.1 and 3 more transcripts); c.1353_1355dup, p.Tyr452Ter (NM_001440365.1); c.1431_1433dup, p.Tyr478Ter (NM_001440363.1); short protein forms Y452*, Y478*, Y514*.
Identifiers: ClinVar variation 4081619 (VCV004081619.1).

ClinVar aggregate classification (germline): Pathogenic (1 of 4 stars; one submission).

Conditions:
Carnitine palmitoyl transferase 1A deficiency. Also called: CPT I DEFICIENCY; CPT DEFICIENCY, HEPATIC, TYPE I; CPT deficiency, hepatic, type IA; Carnitine palmitoyltransferase type I deficiency; Carnitine palmitoyltransferase 1A deficiency. Identifiers: Orphanet 156, MedGen C1829703, MONDO:0009705, OMIM 255120.

Submission:

Myriad Genetics, Inc.
Classification: Pathogenic for Carnitine palmitoyl transferase 1A deficiency. Last evaluated: 2025-07-09. Review status: criteria provided, single submitter. Criteria: Myriad Autosomal Dominant, Autosomal Recessive and X-Linked Classification Criteria (2023). Collection method: clinical testing. Allele origin: unknown.
Comment: NM_001876.3(CPT1A):c.1539_1541dupGTA(Y514*) is a nonsense variant classified as pathogenic in the context of carnitine palmitoyltransferase IA deficiency. Y514* has not been observed in cases with relevant disease. Relevant functional assessments of this variant are not available in the literature. Y514* has not been observed in referenced population frequency databases. In summary, NM_001876.3(CPT1A):c.1539_1541dupGTA(Y514*) is a nonsense variant in a gene where loss of function is a known mechanism of disease and is predicted to disrupt protein function. Please note: this variant was assessed in the context of healthy population screening.